The following is an entry in ClinVar:

ClinVar aggregate classification (germline): Pathogenic (0 of 4 stars; one submission).

Conditions:
Central core myopathy (CMYO1A). Also called: Central core disease; Myopathy, central fibrillar; CONGENITAL MYOPATHY 1A, AUTOSOMAL DOMINANT, WITH SUSCEPTIBILITY TO MALIGNANT HYPERTHERMIA. Identifiers: Orphanet 597, MedGen C5830701, MONDO:0007294, OMIM 117000.

Submission:

GeneReviews
Classification: Pathogenic for Central Core Disease. Last evaluated: 2010-05-11. Review status: no assertion criteria provided. Collection method: curation. Allele origin: unknown.
ClinVar note: Converted during submission from pathologic to Pathogenic.

NP_000531.2:p.G4893R

Variant type: protein only.
Identifiers: ClinVar variation 65946 (VCV000065946.2).